The following is an entry in ClinVar:

ClinVar aggregate classification (germline): Uncertain significance (1 of 4 stars; one submission).

Submission:

GeneDx
Classification: Uncertain significance. Last evaluated: 2023-03-06. Review status: criteria provided, single submitter. Criteria: GeneDx Variant Classification Process June 2021. Collection method: clinical testing. Allele origin: germline. Affected: yes.
Comment: Not observed at significant frequency in large population cohorts (gnomAD); In silico analysis supports that this missense variant does not alter protein structure/function; Has not been previously published as pathogenic or benign to our knowledge

NM_001170629.2(CHD8):c.5339G>C (p.Cys1780Ser)

Gene: CHD8 (chromodomain helicase DNA binding protein 8; minus strand). Cytogenetic location: 14q11.2.
Variant type: single nucleotide variant.
Coding change: c.5339G>C on transcript NM_001170629.2 (MANE Select); coding-DNA position 5339, G replaced by C.
Protein change: p.Cys1780Ser; replaces cysteine 1780 with serine.
Molecular consequence: missense variant.
Genome position (GRCh38, 1-based): chr14:21,394,963, C>G on the plus strand (G>C on the coding strand, the complement: CHD8 is on the minus strand). VCF-style: chr14-21394963-C-G. GRCh37 (hg19) VCF-style: chr14-21863122-C-G.
Other names: c.4502G>C, p.Cys1501Ser (NM_020920.4); short protein forms C1501S, C1780S.
Identifiers: ClinVar variation 2579362 (VCV002579362.1), dbSNP rs1887713321, ClinGen allele CA388883986.